The following is an entry in ClinVar:

NM_024408.4(NOTCH2):c.6958G>C (p.Gly2320Arg)

Gene: NOTCH2 (notch receptor 2; minus strand). Cytogenetic location: 1p12.
Variant type: single nucleotide variant.
Coding change: c.6958G>C on transcript NM_024408.4 (MANE Select); coding-DNA position 6958, G replaced by C.
Protein change: p.Gly2320Arg; replaces glycine 2320 with arginine.
Molecular consequence: missense variant.
Genome position (GRCh38, 1-based): chr1:119,915,764, C>G on the plus strand (G>C on the coding strand, the complement: NOTCH2 is on the minus strand). VCF-style: chr1-119915764-C-G. GRCh37 (hg19) VCF-style: chr1-120458387-C-G.
Other names: short protein forms G2320R.
Identifiers: ClinVar variation 4767296 (VCV004767296.1).

ClinVar aggregate classification (germline): Uncertain significance (1 of 4 stars; one submission).

Conditions:
Hajdu-Cheney syndrome (HJCYS). Also called: Acroosteolysis dominant type; SERPENTINE FIBULA-POLYCYSTIC KIDNEY SYNDROME; ACROOSTEOLYSIS WITH OSTEOPOROSIS AND CHANGES IN SKULL AND MANDIBLE. Identifiers: Orphanet 955, MedGen C0917715, MONDO:0007057, OMIM 102500.

Submission:

Labcorp Genetics (formerly Invitae), Labcorp
Classification: Uncertain significance for Hajdu-Cheney syndrome. Last evaluated: 2025-03-13. Review status: criteria provided, single submitter. Criteria: Invitae Variant Classification Sherloc (09022015). Collection method: clinical testing. Allele origin: germline.
Comment: This sequence change replaces glycine, which is neutral and non-polar, with arginine, which is basic and polar, at codon 2320 of the NOTCH2 protein (p.Gly2320Arg). This variant is not present in population databases (gnomAD no frequency). This variant has not been reported in the literature in individuals affected with NOTCH2-related conditions. Invitae Evidence Modeling of protein sequence and biophysical properties (such as structural, functional, and spatial information, amino acid conservation, physicochemical variation, residue mobility, and thermodynamic stability) indicates that this missense variant is not expected to disrupt NOTCH2 protein function with a negative predictive value of 80%. In summary, the available evidence is currently insufficient to determine the role of this variant in disease. Therefore, it has been classified as a Variant of Uncertain Significance.